The following is an entry in ClinVar:

NM_145868.2(ANXA11):c.230C>A (p.Ala77Asp)

Gene: ANXA11 (annexin A11; minus strand). Cytogenetic location: 10q22.3.
Variant type: single nucleotide variant.
Coding change: c.230C>A on transcript NM_145868.2 (MANE Select); coding-DNA position 230, C replaced by A.
Protein change: p.Ala77Asp; replaces alanine 77 with aspartic acid.
Molecular consequence: missense variant.
Genome position (GRCh38, 1-based): chr10:80,169,300, G>T on the plus strand (C>A on the coding strand, the complement: ANXA11 is on the minus strand). VCF-style: chr10-80169300-G-T. GRCh37 (hg19) VCF-style: chr10-81929056-G-T.
Other names: c.230C>A, p.Ala77Asp (NM_001157.3, NM_001278407.2, NM_001278408.2 and 1 more transcripts); c.131C>A, p.Ala44Asp (NM_001278409.2); short protein forms A77D, A44D.
Identifiers: ClinVar variation 2856159 (VCV002856159.3), dbSNP rs2492159380, ClinGen allele CA377368571.

ClinVar aggregate classification (germline): Uncertain significance (1 of 4 stars; one submission).

Submission:

Labcorp Genetics (formerly Invitae), Labcorp
Classification: Uncertain significance. Last evaluated: 2023-08-05. Review status: criteria provided, single submitter. Criteria: Invitae Variant Classification Sherloc (09022015). Collection method: clinical testing. Allele origin: germline.
Comment: In summary, the available evidence is currently insufficient to determine the role of this variant in disease. Therefore, it has been classified as a Variant of Uncertain Significance. Experimental studies and prediction algorithms are not available or were not evaluated, and the functional significance of this variant is currently unknown. This variant has not been reported in the literature in individuals affected with ANXA11-related conditions. This variant is not present in population databases (gnomAD no frequency). This sequence change replaces alanine, which is neutral and non-polar, with aspartic acid, which is acidic and polar, at codon 77 of the ANXA11 protein (p.Ala77Asp).